The following is an entry in ClinVar:

ClinVar aggregate classification (germline): Uncertain significance (1 of 4 stars; one submission).

Allele frequency attached by ClinVar (database versions not stated): gnomAD exomes below 0.00001.
gnomAD v4.1: 1 of 1,614,154 alleles (0.000062%); highest among the groups gnomAD compares: Non-Finnish European, 0.000085%; no homozygotes.

Submission:

Labcorp Genetics (formerly Invitae), Labcorp
Classification: Uncertain significance. Last evaluated: 2024-01-08. Review status: criteria provided, single submitter. Criteria: Invitae Variant Classification Sherloc (09022015). Collection method: clinical testing. Allele origin: germline.
Comment: This sequence change replaces proline, which is neutral and non-polar, with leucine, which is neutral and non-polar, at codon 808 of the ADAM9 protein (p.Pro808Leu). This variant is not present in population databases (gnomAD no frequency). This variant has not been reported in the literature in individuals affected with ADAM9-related conditions. ClinVar contains an entry for this variant (Variation ID: 1909847). An algorithm developed to predict the effect of missense changes on protein structure and function (PolyPhen-2) suggests that this variant is likely to be tolerated. In summary, the available evidence is currently insufficient to determine the role of this variant in disease. Therefore, it has been classified as a Variant of Uncertain Significance.

NM_003816.3(ADAM9):c.2423C>T (p.Pro808Leu)

Gene: ADAM9 (ADAM metallopeptidase domain 9; plus strand). Cytogenetic location: 8p11.22.
Variant type: single nucleotide variant.
Coding change: c.2423C>T on transcript NM_003816.3 (MANE Select); coding-DNA position 2423, C replaced by T.
Protein change: p.Pro808Leu; replaces proline 808 with leucine.
Molecular consequence: missense variant. On other transcripts: non-coding transcript variant (3).
Genome position (GRCh38, 1-based): chr8:39,103,663, C>T. VCF-style: chr8-39103663-C-T. GRCh37 (hg19) VCF-style: chr8-38961182-C-T.
Other names: short protein forms P808L.
Identifiers: ClinVar variation 1909847 (VCV001909847.5), dbSNP rs2536413785, ClinGen allele CA370739022.
Genomic context (GRCh38, chr8:39,103,663, plus strand): 5'-GCAGGCCACCTCCACCACAACCGAAAGTATCATCTCAGGGAAACTTAATTCCTGCCCGTC[C>T]TGCTCCTGCACCTCCTTTATATAGTTCCCTCACTTGATTTTTTTAACCTTCTTTTTGCAA-3'
Protein context (NP_003807.1, residues 798-818): SSQGNLIPAR[Pro808Leu]APAPPLYSSL